The following is an entry in ClinVar:

NM_000059.4(BRCA2):c.6181G>T (p.Ala2061Ser)

Gene: BRCA2 (BRCA2 DNA repair associated; plus strand). Cytogenetic location: 13q13.1.
Variant type: single nucleotide variant.
Coding change: c.6181G>T on transcript NM_000059.4 (MANE Select); coding-DNA position 6181, G replaced by T.
Protein change: p.Ala2061Ser; replaces alanine 2061 with serine.
Molecular consequence: missense variant. On other transcripts: non-coding transcript variant (1), intron variant (2).
Genome position (GRCh38, 1-based): chr13:32,340,536, G>T. VCF-style: chr13-32340536-G-T. GRCh37 (hg19) VCF-style: chr13-32914673-G-T.
Other names: c.6181G>T, p.Ala2061Ser (NM_001406719.1, NM_001406720.1, NM_001432077.1); c.1910-4022G>T (NM_001406721.1); c.425-4022G>T (NM_001406722.1); short protein forms A2061S.
Identifiers: ClinVar variation 4802320 (VCV004802320.1).
Genomic context (GRCh38, chr13:32,340,536, plus strand): 5'-TCCCAAAAAGGCTTTTCATATAATGTGGTAAATTCATCTGCTTTCTCTGGATTTAGTACA[G>T]CAAGTGGAAAGCAAGTTTCCATTTTAGAAAGTTCCTTACACAAAGTTAAGGGAGTGTTAG-3'
Protein context (NP_000050.3, residues 2051-2071): NSSAFSGFST[Ala2061Ser]SGKQVSILES

ClinVar aggregate classification (germline): Uncertain significance (1 of 4 stars; one submission).

Conditions:
Hereditary breast ovarian cancer syndrome. Also called: Hereditary breast and ovarian cancer syndrome (HBOC); Hereditary breast and ovarian cancer; Breast and ovarian cancer; Hereditary breast and/or ovarian cancer syndrome; BRCA1- and BRCA2-Associated Hereditary Breast and Ovarian Cancer; Hereditary breast and ovarian cancer syndrome. Identifiers: Orphanet 145, MedGen C0677776, MeSH D061325, MONDO:0003582. Disease mechanism: loss of function.

Submission:

Labcorp Genetics (formerly Invitae), Labcorp
Classification: Uncertain significance for Hereditary breast ovarian cancer syndrome. Last evaluated: 2025-05-05. Review status: criteria provided, single submitter. Criteria: Invitae Variant Classification Sherloc (09022015). Collection method: clinical testing. Allele origin: germline.
Comment: This sequence change replaces alanine, which is neutral and non-polar, with serine, which is neutral and polar, at codon 2061 of the BRCA2 protein (p.Ala2061Ser). This variant is not present in population databases (gnomAD no frequency). This variant has not been reported in the literature in individuals affected with BRCA2-related conditions. Invitae Evidence Modeling of protein sequence and biophysical properties (such as structural, functional, and spatial information, amino acid conservation, physicochemical variation, residue mobility, and thermodynamic stability) indicates that this missense variant is not expected to disrupt BRCA2 protein function with a negative predictive value of 95%. In summary, the available evidence is currently insufficient to determine the role of this variant in disease. Therefore, it has been classified as a Variant of Uncertain Significance.